The following is an entry in ClinVar:

NM_006516.4(SLC2A1):c.1236G>A (p.Trp412Ter)

Gene: SLC2A1 (solute carrier family 2 member 1; minus strand). Cytogenetic location: 1p34.2.
Variant type: single nucleotide variant.
Coding change: c.1236G>A on transcript NM_006516.4 (MANE Select); coding-DNA position 1236, G replaced by A.
Protein change: p.Trp412Ter; replaces tryptophan 412 with a stop codon.
Molecular consequence: nonsense.
Genome position (GRCh38, 1-based): chr1:42,927,647, C>T on the plus strand (G>A on the coding strand, the complement: SLC2A1 is on the minus strand). VCF-style: chr1-42927647-C-T. GRCh37 (hg19) VCF-style: chr1-43393318-C-T.
Other names: short protein forms W412*.
Identifiers: ClinVar variation 589191 (VCV000589191.6), dbSNP rs1557645002, ClinGen allele CA339953697.

ClinVar aggregate classification (germline): Pathogenic (1 of 4 stars; one submission).

Conditions:
Inborn genetic diseases. Identifiers: MedGen C0950123, MeSH D030342.

Submission:

Ambry Genetics
Classification: Pathogenic for Inborn genetic diseases. Last evaluated: 2017-05-31. Review status: criteria provided, single submitter. Criteria: Ambry Variant Classification Scheme 2023. Collection method: clinical testing. Allele origin: germline.
Comment: The p.W412* pathogenic mutation (also known as c.1236G>A), located in coding exon 9 of the SLC2A1 gene, results from a G to A substitution at nucleotide position 1236. This changes the amino acid from a tryptophan to a stop codon within coding exon 9. This alteration is expected to result in loss of function by premature protein truncation. As such, this alteration is interpreted as a disease-causing mutation.